The following is an entry in ClinVar:

ClinVar aggregate classification (germline): Uncertain significance (1 of 4 stars; one submission).

Conditions:
Familial intrahepatic cholestasis. Identifiers: Orphanet 284385, MedGen CN296401, MONDO:0017290.

Submission:

Genomenon, Inc
Classification: Uncertain significance for Familial intrahepatic cholestasis. Last evaluated: 2026-04-14. Review status: criteria provided, single submitter. Criteria: Genomenon Sequence Variant Interpretation Standards - Updated. Collection method: curation. Allele origin: germline. Affected: yes.
Comment: ATP8B1 p.Gly314Arg (c.940G>C) is a missense variant that changes the amino acid at residue 314 from Glycine to Arginine. This variant has been observed in at least one proband with features of ATP8B1-deficiency (PMID:30366773). It is absent or not present at a significant frequency in gnomAD. In silico models predict that this variant is possibly or probably damaging. In conclusion, we classify ATP8B1 p.Gly314Arg (c.940G>C) as a variant of uncertain significance.

Literature cited by the submitters: PubMed 30366773.

NM_001374385.1(ATP8B1):c.940G>C (p.Gly314Arg)

Gene: ATP8B1 (ATPase phospholipid transporting 8B1; minus strand). Cytogenetic location: 18q21.31.
Variant type: single nucleotide variant.
Coding change: c.940G>C on transcript NM_001374385.1 (MANE Select); coding-DNA position 940, G replaced by C.
Protein change: p.Gly314Arg; replaces glycine 314 with arginine.
Molecular consequence: missense variant.
Genome position (GRCh38, 1-based): chr18:57,695,171, C>G on the plus strand (G>C on the coding strand, the complement: ATP8B1 is on the minus strand). VCF-style: chr18-57695171-C-G. GRCh37 (hg19) VCF-style: chr18-55362403-C-G.
Other names: c.790G>C, p.Gly264Arg (NM_001374386.1); c.940G>C, p.Gly314Arg (NM_005603.6); short protein forms G264R, G314R.
Identifiers: ClinVar variation 4846105 (VCV004846105.1).